The following is an entry in ClinVar:

ClinVar aggregate classification (germline): Conflicting classifications of pathogenicity. Review status: criteria provided, conflicting classifications (1 of 4 stars). 4 submissions from 4 submitters: Uncertain significance (3); Likely benign (1). Last evaluated 2026-08-11.

Conditions:
Hereditary diffuse gastric adenocarcinoma (HDGC). Also called: DIFFUSE GASTRIC AND LOBULAR BREAST CANCER SYNDROME. Identifiers: Orphanet 26106, MedGen C1708349, MONDO:0007648, OMIM 137215.
Familial cancer of breast. Also called: Hereditary breast cancer; hereditary breast carcinoma; BREAST CANCER, FAMILIAL. Identifiers: Orphanet 227535, MedGen C0346153, MONDO:0016419, OMIM 114480. Disease mechanism: loss of function.
Hereditary cancer-predisposing syndrome. Also called: Tumor predisposition; Hereditary neoplastic syndrome; Neoplastic Syndromes, Hereditary; Hereditary Cancer Syndrome. Identifiers: Orphanet 140162, MedGen C0027672, MeSH D009386, MONDO:0015356.

Submissions (4):

Ambry Genetics
Classification: Likely benign for Hereditary cancer-predisposing syndrome. Last evaluated: 2026-08-11. Review status: criteria provided, single submitter. Criteria: Ambry Variant Classification Scheme 2023. Collection method: clinical testing. Allele origin: germline.

Labcorp Genetics (formerly Invitae), Labcorp
Classification: Uncertain significance for Hereditary diffuse gastric adenocarcinoma. Last evaluated: 2024-05-12. Review status: criteria provided, single submitter. Criteria: Invitae Variant Classification Sherloc (09022015). Collection method: clinical testing. Allele origin: germline.
Comment: This sequence change replaces isoleucine, which is neutral and non-polar, with valine, which is neutral and non-polar, at codon 565 of the CDH1 protein (p.Ile565Val). This variant is not present in population databases (gnomAD no frequency). This variant has not been reported in the literature in individuals affected with CDH1-related conditions. ClinVar contains an entry for this variant (Variation ID: 849571). An algorithm developed to predict the effect of missense changes on protein structure and function (PolyPhen-2) suggests that this variant is likely to be tolerated. In summary, the available evidence is currently insufficient to determine the role of this variant in disease. Therefore, it has been classified as a Variant of Uncertain Significance.

Baylor Genetics
Classification: Uncertain significance for Familial cancer of breast. Last evaluated: 2023-10-06. Review status: criteria provided, single submitter. Criteria: ACMG Guidelines, 2015. Collection method: clinical testing. Allele origin: unknown.

Color Diagnostics, LLC DBA Color Health
Classification: Uncertain significance for Hereditary cancer-predisposing syndrome. Last evaluated: 2022-10-10. Review status: criteria provided, single submitter. Criteria: ACMG Guidelines, 2015. Collection method: clinical testing. Allele origin: germline.
Comment: This missense variant replaces isoleucine with valine at codon 565 of the CDH1 protein. To our knowledge, functional studies have not been reported for this variant. This variant has not been reported in individuals affected with hereditary cancer in the literature. This variant has not been identified in the general population by the Genome Aggregation Database (gnomAD). The available evidence is insufficient to determine the role of this variant in disease conclusively. Therefore, this variant is classified as a Variant of Uncertain Significance.

NM_004360.5(CDH1):c.1693A>G (p.Ile565Val)

Gene: CDH1 (cadherin 1; plus strand). Cytogenetic location: 16q22.1.
Variant type: single nucleotide variant.
Coding change: c.1693A>G on transcript NM_004360.5 (MANE Select); coding-DNA position 1693, A replaced by G.
Protein change: p.Ile565Val; replaces isoleucine 565 with valine.
Molecular consequence: missense variant. On other transcripts: intron variant (1).
Genome position (GRCh38, 1-based): chr16:68,819,407, A>G. VCF-style: chr16-68819407-A-G. GRCh37 (hg19) VCF-style: chr16-68853310-A-G.
Other names: c.1510A>G, p.Ile504Val (NM_001317184.2); c.145A>G, p.Ile49Val (NM_001317185.2); c.-254-2594A>G (NM_001317186.2); short protein forms I49V, I504V, I565V.
Identifiers: ClinVar variation 849571 (VCV000849571.16), dbSNP rs1961080115, ClinGen allele CA396465395.